The following is an entry in ClinVar:

ClinVar aggregate classification (germline): Uncertain significance (1 of 4 stars; one submission).

gnomAD v4.1: 29 of 1,614,056 alleles (0.0018%); highest among the groups gnomAD compares: South Asian, 0.0033%; no homozygotes.

Submission:

Labcorp Genetics (formerly Invitae), Labcorp
Classification: Uncertain significance. Last evaluated: 2024-04-25. Review status: criteria provided, single submitter. Criteria: Invitae Variant Classification Sherloc (09022015). Collection method: clinical testing. Allele origin: germline.
Comment: This sequence change affects codon 689 of the TFRC mRNA. It is a 'silent' change, meaning that it does not change the encoded amino acid sequence of the TFRC protein. This variant is present in population databases (rs199652297, gnomAD 0.004%). This variant has not been reported in the literature in individuals affected with TFRC-related conditions. Algorithms developed to predict the effect of sequence changes on RNA splicing suggest that this variant may disrupt the consensus splice site. In summary, the available evidence is currently insufficient to determine the role of this variant in disease. Therefore, it has been classified as a Variant of Uncertain Significance.

NM_001128148.3(TFRC):c.2067C>T (p.Tyr689=)

Gene: TFRC (transferrin receptor; minus strand). Cytogenetic location: 3q29.
Variant type: single nucleotide variant.
Coding change: c.2067C>T on transcript NM_001128148.3 (MANE Select); coding-DNA position 2067, C replaced by T.
Protein change: p.Tyr689=; no amino-acid change (tyrosine 689 retained).
Molecular consequence: synonymous variant.
Genome position (GRCh38, 1-based): chr3:196,052,158, G>A on the plus strand (C>T on the coding strand, the complement: TFRC is on the minus strand). VCF-style: chr3-196052158-G-A. GRCh37 (hg19) VCF-style: chr3-195779029-G-A.
Other names: c.1824C>T, p.Tyr608= (NM_001313965.2); c.1221C>T, p.Tyr407= (NM_001313966.2); c.2067C>T, p.Tyr689= (NM_003234.4).
Identifiers: ClinVar variation 3627576 (VCV003627576.2).